The following is an entry in ClinVar:

ClinVar aggregate classification (germline): Uncertain significance. Review status: criteria provided, multiple submitters, no conflicts (2 of 4 stars). 2 submissions from 2 submitters: Uncertain significance (2). Last evaluated 2025-07-22.

Conditions:
Cardiovascular phenotype. Identifiers: MedGen CN230736.

Submissions (2):

Labcorp Genetics (formerly Invitae), Labcorp
Classification: Uncertain significance. Last evaluated: 2025-07-22. Review status: criteria provided, single submitter. Criteria: Invitae Variant Classification Sherloc (09022015). Collection method: clinical testing. Allele origin: germline.
Comment: This sequence change replaces aspartic acid, which is acidic and polar, with asparagine, which is neutral and polar, at codon 2081 of the ZNF469 protein (p.Asp2081Asn). This variant is not present in population databases (gnomAD no frequency). This variant has not been reported in the literature in individuals affected with ZNF469-related conditions. ClinVar contains an entry for this variant (Variation ID: 3232838). An algorithm developed to predict the effect of missense changes on protein structure and function outputs the following: PolyPhen-2: "Benign". The asparagine amino acid residue is found in multiple mammalian species, which suggests that this missense change does not adversely affect protein function. In summary, the available evidence is currently insufficient to determine the role of this variant in disease. Therefore, it has been classified as a Variant of Uncertain Significance.

Ambry Genetics
Classification: Uncertain significance for Cardiovascular phenotype. Last evaluated: 2024-03-06. Review status: criteria provided, single submitter. Criteria: Ambry Variant Classification Scheme 2023. Collection method: clinical testing. Allele origin: germline.
Comment: The p.D2081N variant (also known as c.6241G>A), located in coding exon 2 of the ZNF469 gene, results from a G to A substitution at nucleotide position 6241. The aspartic acid at codon 2081 is replaced by asparagine, an amino acid with highly similar properties. This amino acid position is conserved. In addition, this alteration is predicted to be tolerated by in silico analysis. Based on the available evidence, the clinical significance of this alteration remains unclear.

NM_001367624.2(ZNF469):c.6325G>A (p.Asp2109Asn)

Gene: ZNF469 (zinc finger protein 469; plus strand). Cytogenetic location: 16q24.2.
Variant type: single nucleotide variant.
Coding change: c.6325G>A on transcript NM_001367624.2 (MANE Select); coding-DNA position 6325, G replaced by A.
Protein change: p.Asp2109Asn; replaces aspartic acid 2109 with asparagine.
Molecular consequence: missense variant.
Genome position (GRCh38, 1-based): chr16:88,433,795, G>A. VCF-style: chr16-88433795-G-A. GRCh37 (hg19) VCF-style: chr16-88500203-G-A.
Other names: NM_001127464.1:c.6241G>A; short protein forms D2109N.
Identifiers: ClinVar variation 3232838 (VCV003232838.2), dbSNP rs1906369630, ClinGen allele CA397105376.
Genomic context (GRCh38, chr16:88,433,795, plus strand): 5'-AGCCCCGGCCTGAACAAGCCACTGCTGGCCACAGGGGATAGCCCAGCACCCTCTGTCGGG[G>A]ACCTGGCCGCCTGCGCCCCCTCACCCACTTCAGCCGCCCACATGCCCTGCAGCCTTGGGC-3'
Protein context (NP_001354553.1, residues 2099-2119): TGDSPAPSVG[Asp2109Asn]LAACAPSPTS